The following is an entry in ClinVar:

ClinVar aggregate classification (germline): Uncertain significance (1 of 4 stars; one submission).

Conditions:
Inborn genetic diseases. Identifiers: MedGen C0950123, MeSH D030342.
Juvenile nephropathic cystinosis. Also called: Later-Onset (Juvenile) Cystinosis; Intermediate Cystinosis; CYSTINOSIS, LATE-ONSET JUVENILE OR ADOLESCENT NEPHROPATHIC TYPE. Identifiers: Orphanet 213, Orphanet 411634, MedGen C0268626, MONDO:0009066, OMIM 219900.
Ocular cystinosis. Also called: Non-Nephropathic (Ocular) Cystinosis; Non-Nephropathic Cystinosis. Identifiers: Orphanet 213, Orphanet 411641, MedGen C2931013, MONDO:0009064, OMIM 219750.

gnomAD v4.1: 3 of 1,614,244 alleles (0.00019%); highest among the groups gnomAD compares: Non-Finnish European, 0.00025%; no homozygotes.

Submission:

Labcorp Genetics (formerly Invitae), Labcorp
Classification: Uncertain significance for Inborn genetic diseases; Ocular cystinosis; Juvenile nephropathic cystinosis. Last evaluated: 2022-04-18. Review status: criteria provided, single submitter. Criteria: Invitae Variant Classification Sherloc (09022015). Collection method: clinical testing. Allele origin: germline.
Comment: This sequence change replaces phenylalanine, which is neutral and non-polar, with serine, which is neutral and polar, at codon 336 of the CTNS protein (p.Phe336Ser). This variant is not present in population databases (gnomAD no frequency). This variant has not been reported in the literature in individuals affected with CTNS-related conditions. Advanced modeling of protein sequence and biophysical properties (such as structural, functional, and spatial information, amino acid conservation, physicochemical variation, residue mobility, and thermodynamic stability) performed at Invitae indicates that this missense variant is expected to disrupt CTNS protein function. In summary, the available evidence is currently insufficient to determine the role of this variant in disease. Therefore, it has been classified as a Variant of Uncertain Significance.

NM_004937.3(CTNS):c.1007T>C (p.Phe336Ser)

Gene: CTNS (cystinosin, lysosomal cystine transporter; plus strand). Cytogenetic location: 17p13.2.
Variant type: single nucleotide variant.
Coding change: c.1007T>C on transcript NM_004937.3 (MANE Select); coding-DNA position 1007, T replaced by C.
Protein change: p.Phe336Ser; replaces phenylalanine 336 with serine.
Molecular consequence: missense variant.
Genome position (GRCh38, 1-based): chr17:3,660,272, T>C. VCF-style: chr17-3660272-T-C. GRCh37 (hg19) VCF-style: chr17-3563566-T-C.
Other names: c.1007T>C, p.Phe336Ser (NM_001031681.3, NM_001374492.1); c.566T>C, p.Phe189Ser (NM_001374493.1, NM_001374494.1, NM_001374495.1 and 1 more transcripts); short protein forms F336S, F189S.
Identifiers: ClinVar variation 1937525 (VCV001937525.5), dbSNP rs375669198, ClinGen allele CA397694136.